The following is an entry in ClinVar:

ClinVar aggregate classification (germline): Pathogenic. Review status: criteria provided, multiple submitters, no conflicts (2 of 4 stars). 7 submissions from 7 submitters: Pathogenic (6). 1 of the submissions does not count toward it. Last evaluated 2025-04-29.

Conditions:
PTPN11-related disorder. Also called: PTPN11-Related Disorders.
Noonan syndrome (NS). Also called: Noonan's syndrome. Identifiers: Orphanet 648, MedGen C0028326, MeSH D009634, MONDO:0018997. Disease mechanism: gain of function.
Noonan syndrome 1 (NS1). Also called: PTPN11-Related Noonan Syndrome; FEMALE PSEUDO-TURNER SYNDROME; TURNER PHENOTYPE WITH NORMAL KARYOTYPE. Identifiers: Orphanet 648, MedGen C4551602, MONDO:0008104, OMIM 163950. Disease mechanism: gain of function.

Submissions (7):

GeneDx
Classification: Pathogenic. Last evaluated: 2025-04-29. Review status: criteria provided, single submitter. Criteria: GeneDx Variant Classification Process June 2021. Collection method: clinical testing. Allele origin: germline. Affected: yes.
Comment: Not observed at significant frequency in large population cohorts (gnomAD); In silico analysis supports that this missense variant has a deleterious effect on protein structure/function; Missense variants in this gene are a common cause of disease and they are underrepresented in the general population; This variant is associated with the following publications: (PMID: 31263281, 30050098, 34958143, 27193571, 37264205, 29907801, 35606495)

Blueprint Genetics
Classification: Pathogenic for PTPN11-related disorders. Last evaluated: 2024-05-06. Review status: criteria provided, single submitter. Criteria: ACMG Guidelines, 2015. Collection method: clinical testing. Allele origin: germline. Affected: yes. Observed: 1 variant allele.

Genomic Medicine Center of Excellence, King Faisal Specialist Hospital and Research Centre
Classification: Pathogenic for Noonan syndrome 1. Last evaluated: 2024-03-25. Review status: criteria provided, single submitter. Criteria: ACMG Guidelines, 2015. Collection method: clinical testing. Allele origin: germline.

PreventionGenetics, part of Exact Sciences
Classification: Pathogenic for PTPN11-related condition. Last evaluated: 2023-05-19. Review status: criteria provided, single submitter. Criteria: ACMG Guidelines, 2015. Collection method: clinical testing. Allele origin: germline.
Comment: The PTPN11 c.1530G>T variant is predicted to result in the amino acid substitution p.Gln510His. This variant has been reported in prenatal cases with cystic hygroma (Gezdirici et al. 2017. PubMed ID: 27193571; Supplemental Table S2, Leach et al. 2018. PubMed ID: 29907801) and hydrops fetalis (Supplemental Table 1, Gabriel et al. 2021. PubMed ID: 34958143). Of note, another variant impacting the p.Gln510 amino acid was also reported in prenatal cases with cystic hygroma [c.1530G>T (p.Gln510His), Supplemental Table S2, Leach et al. 2018. PubMed ID: 29907801]. In addition, another variant impacting the p.Gln510 amino acid was also reported in an individual tested for Noonan syndrome and related conditions [c.1528C>G (p.Gln510Glu), Supplemental Table S3, Leach et al. 2018. PubMed ID: 29907801]. This variant has not been reported in a large population database, indicating this variant is rare. This variant is interpreted as pathogenic.

CeGaT Center for Human Genetics Tuebingen
Classification: Pathogenic. Last evaluated: 2020-03-01. Review status: criteria provided, single submitter. Criteria: CeGaT Center For Human Genetics Tuebingen Variant Classification Criteria Version 2. Collection method: clinical testing. Allele origin: germline. Affected: yes. Observed: 3 variant alleles.

ARUP Laboratories, Molecular Genetics and Genomics, ARUP Laboratories
Classification: Pathogenic. Last evaluated: 2019-02-20. Review status: criteria provided, single submitter. Criteria: ARUP Molecular Germline Variant Investigation Process. Collection method: clinical testing. Allele origin: germline.
Comment: The PTPN11 c.1530G>T; p.Gln510His variant (rs397507550) is reported in the literature in two unrelated fetuses with prenatal symptoms of Noonan syndrome, and it was not observed in the parents of either affected fetus, indicating a de novo origin (Gezdirici 2017). Additionally, a variant giving rise to the same amino acid change (c.1530G>C; p.Gln510His) was observed in an individual affected with LEOPARD syndrome (Wakabayashi 2011). The c.1530G>T; p.Gln510His variant is absent from general population databases (Exome Variant Server, Genome Aggregation Database), indicating it is not a common polymorphism. The glutamine at codon 510 is highly conserved, and computational analyses (SIFT, PolyPhen-2) predict that this variant is deleterious. Additionally, other amino acid substitutions at this codon (Arg, Glu, and Pro) have been reported in individuals with Noonan syndrome or LEOPARD syndrome and are considered pathogenic (Aoki 2008, Carcavilla 2013, Ganigara 2011, Wakabayashi 2011). Based on available information, the p.Gln510His variant is considered to be pathogenic. References: Aoki Y et al. The RAS/MAPK syndromes: novel roles of the RAS pathway in human genetic disorders. Hum Mutat. 2008 Aug;29(8):992-1006. Carcavilla A et al. LEOPARD syndrome: a variant of Noonan syndrome strongly associated with hypertrophic cardiomyopathy. Rev Esp Cardiol (Engl Ed). 2013 May;66(5):350-6. Ganigara M et al. LEOPARD syndrome in an infant with severe hypertrophic cardiomyopathy and PTPN11 mutation. Ann Pediatr Cardiol. 2011 Jan;4(1):74-6. Gezdirici A et al. How necessary is to analyze PTPN11 gene in fetuses with first trimester cystic hygroma and normal karyotype? J Matern Fetal Neonatal Med. 2017 Apr;30(8):938-941. Wakabayashi Y et al. Implantable cardioverter defibrillator for progressive hypertrophic cardiomyopathy in a patient with LEOPARD syndrome and a novel PTPN11 mutation Gln510His. Am J Med Genet A. 2011 Oct;155A(10):2529-33.

Service de Génétique Moléculaire, Hôpital Robert Debré
Classification: Likely pathogenic for Noonan syndrome. Review status: no assertion criteria provided. Collection method: clinical testing. Allele origin: de novo. Affected: yes. Not counted in ClinVar's aggregate classification.

NM_002834.5(PTPN11):c.1530G>T (p.Gln510His)

Gene: PTPN11 (protein tyrosine phosphatase non-receptor type 11; plus strand). Cytogenetic location: 12q24.13.
Variant type: single nucleotide variant.
Coding change: c.1530G>T on transcript NM_002834.5 (MANE Select); coding-DNA position 1530, G replaced by T.
Protein change: p.Gln510His; replaces glutamine 510 with histidine.
Molecular consequence: missense variant.
Genome position (GRCh38, 1-based): chr12:112,489,106, G>T. VCF-style: chr12-112489106-G-T. GRCh37 (hg19) VCF-style: chr12-112926910-G-T.
Other names: c.1542G>T, p.Gln514His (NM_001330437.2); c.1527G>T, p.Gln509His (NM_001374625.1); c.1530G>T (NM_002834.3); short protein forms Q509H, Q510H, Q514H.
Identifiers: ClinVar variation 811634 (VCV000811634.51), dbSNP rs397507550, ClinGen allele CA386779921.
Genomic context (GRCh38, chr12:112,489,106, plus strand): 5'-TCCCAAAACCATCCAGATGGTGCGGTCTCAGAGGTCAGGGATGGTCCAGACAGAAGCACA[G>T]TACCGATTTATCTATATGGCGGTCCAGCATTATATTGAAACACTACAGCGCAGGATTGAA-3'
Protein context (NP_002825.3, residues 500-520): QRSGMVQTEA[Gln510His]YRFIYMAVQH